The following is an entry in ClinVar:

ClinVar aggregate classification (germline): Benign (1 of 4 stars; one submission).

Conditions:
Lethal polymalformative syndrome, Boissel type. Also called: GROWTH RETARDATION, DEVELOPMENTAL DELAY, AND FACIAL DYSMORPHISM. Identifiers: Orphanet 210144, MedGen C2752001, MONDO:0013050, OMIM 612938.

Allele frequency attached by ClinVar (database versions not stated): 1000 Genomes Project 0.00759; 1000 Genomes Project 30x 0.00828; gnomAD 0.01486 and 0.01518; TOPMed 0.01554.

Submission:

Illumina Laboratory Services, Illumina
Classification: Benign for Lethal polymalformative syndrome, Boissel type. Last evaluated: 2018-01-13. Review status: criteria provided, single submitter. Criteria: ICSL Variant Classification Criteria 13 December 2019. Collection method: clinical testing. Allele origin: germline.
Comment: This variant was observed in the ICSL laboratory as part of a predisposition screen in an ostensibly healthy population. It had not been previously curated by ICSL or reported in the Human Gene Mutation Database (HGMD: prior to June 1st, 2018), and was therefore a candidate for classification through an automated scoring system. Utilizing variant allele frequency, disease prevalence and penetrance estimates, and inheritance mode, an automated score was calculated to assess if this variant is too frequent to cause the disease. Based on the score and internal cut-off values, a variant classified as benign is not then subjected to further curation. The score for this variant resulted in a classification of benign for this disease.

NM_001080432.3(FTO):c.*2180C>T

Gene: FTO (FTO alpha-ketoglutarate dependent dioxygenase; plus strand). Cytogenetic location: 16q12.2.
Variant type: single nucleotide variant.
Coding change: c.*2180C>T on transcript NM_001080432.3 (MANE Select); 2180 bases downstream of the stop codon, C replaced by T.
Molecular consequence: 3 prime UTR variant.
Genome position (GRCh38, 1-based): chr16:54,114,095, C>T. VCF-style: chr16-54114095-C-T. GRCh37 (hg19) VCF-style: chr16-54148007-C-T.
Other names: c.*2180C>T (NM_001363897.2, NM_001363898.2, NM_001363899.2 and 6 more transcripts); c.*2298C>T (NM_001363903.2); c.*2356C>T (NM_001363988.2).
Identifiers: ClinVar variation 319728 (VCV000319728.5), dbSNP rs147409759, ClinGen allele CA10647734.